The following is an entry in ClinVar:

ClinVar aggregate classification (germline): Likely pathogenic (1 of 4 stars; one submission).

Conditions:
Autosomal recessive nonsyndromic hearing loss 2. Also called: NEUROSENSORY NONSYNDROMIC RECESSIVE DEAFNESS 2; DEAFNESS, AUTOSOMAL RECESSIVE 2. Identifiers: Orphanet 90636, MedGen C1838701, MONDO:0010807, OMIM 600060.

Submission:

Institute of Rare Diseases, West China Hospital, Sichuan University
Classification: Likely pathogenic for Autosomal recessive nonsyndromic hearing loss 2. Last evaluated: 2025-01-09. Review status: criteria provided, single submitter. Criteria: ClinGen HL ACMG Specifications v1. Collection method: research. Allele origin: germline. Affected: yes.
Comment: PM3_Strong;PM2_Supporting;PP3

NM_000260.4(MYO7A):c.4087G>A (p.Ala1363Thr)

Gene: MYO7A (myosin VIIA; plus strand). Cytogenetic location: 11q13.5.
Variant type: single nucleotide variant.
Coding change: c.4087G>A on transcript NM_000260.4 (MANE Select); coding-DNA position 4087, G replaced by A.
Protein change: p.Ala1363Thr; replaces alanine 1363 with threonine.
Molecular consequence: missense variant.
Genome position (GRCh38, 1-based): chr11:77,192,213, G>A. VCF-style: chr11-77192213-G-A. GRCh37 (hg19) VCF-style: chr11-76903258-G-A.
Other names: c.4087G>A, p.Ala1363Thr (NM_001127180.2); c.4054G>A, p.Ala1352Thr (NM_001369365.1); short protein forms A1352T, A1363T.
Identifiers: ClinVar variation 3601476 (VCV003601476.1).